The following is an entry in ClinVar:

NM_002227.4(JAK1):c.2078A>G (p.Lys693Arg)

Gene: JAK1 (Janus kinase 1; minus strand). Cytogenetic location: 1p31.3.
Variant type: single nucleotide variant.
Coding change: c.2078A>G on transcript NM_002227.4 (MANE Select); coding-DNA position 2078, A replaced by G.
Protein change: p.Lys693Arg; replaces lysine 693 with arginine.
Molecular consequence: missense variant.
Genome position (GRCh38, 1-based): chr1:64,845,550, T>C on the plus strand (A>G on the coding strand, the complement: JAK1 is on the minus strand). VCF-style: chr1-64845550-T-C. GRCh37 (hg19) VCF-style: chr1-65311233-T-C.
Other names: c.2078A>G, p.Lys693Arg (NM_001320923.2, NM_001321852.2, NM_001321853.2 and 3 more transcripts); c.2075A>G, p.Lys692Arg (NM_001321857.2); short protein forms K692R, K693R.
Identifiers: ClinVar variation 2873338 (VCV002873338.3), dbSNP rs921175983, ClinGen allele CA23903477.

ClinVar aggregate classification (germline): Uncertain significance (1 of 4 stars; one submission).

Allele frequency attached by ClinVar (database versions not stated): gnomAD 0.00001; gnomAD exomes 0.00001; TOPMed 0.00001.
gnomAD v4.1: 13 of 1,614,066 alleles (0.00081%); highest among the groups gnomAD compares: Non-Finnish European, 0.00076%; no homozygotes.

Submission:

Labcorp Genetics (formerly Invitae), Labcorp
Classification: Uncertain significance. Last evaluated: 2023-10-13. Review status: criteria provided, single submitter. Criteria: Invitae Variant Classification Sherloc (09022015). Collection method: clinical testing. Allele origin: germline.
Comment: This sequence change replaces lysine, which is basic and polar, with arginine, which is basic and polar, at codon 693 of the JAK1 protein (p.Lys693Arg). This variant is present in population databases (no rsID available, gnomAD 0.0009%). This variant has not been reported in the literature in individuals affected with JAK1-related conditions. Advanced modeling of protein sequence and biophysical properties (such as structural, functional, and spatial information, amino acid conservation, physicochemical variation, residue mobility, and thermodynamic stability) performed at Invitae indicates that this missense variant is expected to disrupt JAK1 protein function. In summary, the available evidence is currently insufficient to determine the role of this variant in disease. Therefore, it has been classified as a Variant of Uncertain Significance.